The following is an entry in ClinVar:

NM_152564.5(VPS13B):c.11668G>A (p.Asp3890Asn)

Gene: VPS13B (vacuolar protein sorting 13 homolog B; plus strand). Cytogenetic location: 8q22.2.
Variant type: single nucleotide variant.
Coding change: c.11668G>A on transcript NM_152564.5 (MANE Select); coding-DNA position 11668, G replaced by A.
Protein change: p.Asp3890Asn; replaces aspartic acid 3890 with asparagine.
Molecular consequence: missense variant.
Genome position (GRCh38, 1-based): chr8:99,871,620, G>A. VCF-style: chr8-99871620-G-A. GRCh37 (hg19) VCF-style: chr8-100883848-G-A.
Other names: c.11743G>A, p.Asp3915Asn (NM_017890.5); c.11668G>A (NM_152564.4); short protein forms D3890N, D3915N.
Identifiers: ClinVar variation 1060017 (VCV001060017.10), dbSNP rs771105877, ClinGen allele CA4825298.

ClinVar aggregate classification (germline): Uncertain significance. Review status: criteria provided, single submitter (1 of 4 stars). 3 submissions from 3 submitters: Uncertain significance (1). 2 of the submissions do not count toward it. Last evaluated 2024-02-17.

Conditions:
Cohen syndrome (COH1). Also called: PEPPER SYNDROME; Cutis verticis gyrata, retinitis pigmentosa, and sensorineural deafness. Identifiers: Orphanet 193, MedGen C0265223, MONDO:0008999, OMIM 216550.
VPS13B-related disorder. Also called: VPS13B-related condition.

Allele frequency attached by ClinVar (database versions not stated): ExAC 0.00003; gnomAD exomes 0.00003 and 0.00004; TOPMed 0.00004; gnomAD 0.00005 and 0.00006.
gnomAD v4.1: 49 of 1,614,040 alleles (0.003%); highest among the groups gnomAD compares: African/African-American, 0.004%; 1 homozygote.

Submissions (3):

Labcorp Genetics (formerly Invitae), Labcorp
Classification: Uncertain significance for Cohen syndrome. Last evaluated: 2024-02-17. Review status: criteria provided, single submitter. Criteria: Invitae Variant Classification Sherloc (09022015). Collection method: clinical testing. Allele origin: germline.
Comment: This sequence change replaces aspartic acid, which is acidic and polar, with asparagine, which is neutral and polar, at codon 3915 of the VPS13B protein (p.Asp3915Asn). This variant is present in population databases (rs771105877, gnomAD 0.005%), including at least one homozygous and/or hemizygous individual. This variant has not been reported in the literature in individuals affected with VPS13B-related conditions. Advanced modeling of protein sequence and biophysical properties (such as structural, functional, and spatial information, amino acid conservation, physicochemical variation, residue mobility, and thermodynamic stability) performed at Invitae indicates that this missense variant is not expected to disrupt VPS13B protein function with a negative predictive value of 80%. In summary, the available evidence is currently insufficient to determine the role of this variant in disease. Therefore, it has been classified as a Variant of Uncertain Significance.

PreventionGenetics, part of Exact Sciences
Classification: Uncertain significance for VPS13B-related condition. Last evaluated: 2024-09-19. Review status: no assertion criteria provided. Collection method: clinical testing. Allele origin: germline. Not counted in ClinVar's aggregate classification.
Comment: The VPS13B c.11668G>A variant is predicted to result in the amino acid substitution p.Asp3890Asn. To our knowledge, this variant has not been reported in the literature. This variant is reported in 0.0062% of alleles in individuals of European (non-Finnish) descent, including one homozygote, in gnomAD. At this time, the clinical significance of this variant is uncertain due to the absence of conclusive functional and genetic evidence.

Natera, Inc.
Classification: Uncertain significance for Cohen syndrome. Last evaluated: 2020-01-24. Review status: no assertion criteria provided. Collection method: clinical testing. Allele origin: germline. Not counted in ClinVar's aggregate classification.